The following is an entry in ClinVar:

NM_152564.5(VPS13B):c.8040G>C (p.Arg2680Ser)

Gene: VPS13B (vacuolar protein sorting 13 homolog B; plus strand). Cytogenetic location: 8q22.2.
Variant type: single nucleotide variant.
Coding change: c.8040G>C on transcript NM_152564.5 (MANE Select); coding-DNA position 8040, G replaced by C.
Protein change: p.Arg2680Ser; replaces arginine 2680 with serine.
Molecular consequence: missense variant.
Genome position (GRCh38, 1-based): chr8:99,809,473, G>C. VCF-style: chr8-99809473-G-C. GRCh37 (hg19) VCF-style: chr8-100821701-G-C.
Other names: c.8040G>C (NM_152564.4); c.8115G>C (NM_017890.3); c.8115G>C, p.Arg2705Ser (NM_017890.5); short protein forms R2705S, R2680S.
Identifiers: ClinVar variation 1430573 (VCV001430573.8), dbSNP rs145899918, ClinGen allele CA182322371.

ClinVar aggregate classification (germline): Uncertain significance. Review status: criteria provided, multiple submitters, no conflicts (2 of 4 stars). 4 submissions from 4 submitters: Uncertain significance (4). Last evaluated 2026-01-20.

Conditions:
Inborn genetic diseases. Identifiers: MedGen C0950123, MeSH D030342.
Cohen syndrome (COH1). Also called: PEPPER SYNDROME; Cutis verticis gyrata, retinitis pigmentosa, and sensorineural deafness. Identifiers: Orphanet 193, MedGen C0265223, MONDO:0008999, OMIM 216550.
VPS13B-related disorder. Also called: VPS13B-related condition.

Allele frequency attached by ClinVar (database versions not stated): ESP Exome Variant Server 0.00008; gnomAD 0.00002; TOPMed 0.00002.
gnomAD v4.1: 11 of 1,613,802 alleles (0.00068%); highest among the groups gnomAD compares: Non-Finnish European, 0.00085%; no homozygotes.

Submissions (4):

PreventionGenetics, part of Exact Sciences
Classification: Uncertain significance for VPS13B-related condition. Last evaluated: 2026-01-20. Review status: criteria provided, single submitter. Criteria: ACMG Guidelines, 2015. Collection method: clinical testing. Allele origin: germline.
Comment: The VPS13B c.8040G>C variant is predicted to result in the amino acid substitution p.Arg2680Ser. To our knowledge, this variant has not been reported in the literature. This variant is reported in 0.0065% of alleles in individuals of European (Non-Finnish) descent in gnomAD. At this time, the clinical significance of this variant is uncertain due to the absence of conclusive functional and genetic evidence.

Ambry Genetics
Classification: Uncertain significance for Inborn genetic diseases. Last evaluated: 2025-10-22. Review status: criteria provided, single submitter. Criteria: Ambry Variant Classification Scheme 2023. Collection method: clinical testing. Allele origin: germline.

Labcorp Genetics (formerly Invitae), Labcorp
Classification: Uncertain significance for Cohen syndrome. Last evaluated: 2022-09-07. Review status: criteria provided, single submitter. Criteria: Invitae Variant Classification Sherloc (09022015). Collection method: clinical testing. Allele origin: germline.
Comment: This sequence change replaces arginine, which is basic and polar, with serine, which is neutral and polar, at codon 2705 of the VPS13B protein (p.Arg2705Ser). This variant is present in population databases (rs145899918, gnomAD 0.007%). This variant has not been reported in the literature in individuals affected with VPS13B-related conditions. ClinVar contains an entry for this variant (Variation ID: 1430573). Algorithms developed to predict the effect of missense changes on protein structure and function are either unavailable or do not agree on the potential impact of this missense change (SIFT: "Not Available"; PolyPhen-2: "Benign"; Align-GVGD: "Not Available"). In summary, the available evidence is currently insufficient to determine the role of this variant in disease. Therefore, it has been classified as a Variant of Uncertain Significance.

Fulgent Genetics
Classification: Uncertain significance for Cohen syndrome. Last evaluated: 2022-04-13. Review status: criteria provided, single submitter. Criteria: ACMG Guidelines, 2015. Collection method: clinical testing. Allele origin: unknown.